The following is an entry in ClinVar:

ClinVar aggregate classification (germline): Uncertain significance. Review status: criteria provided, multiple submitters, no conflicts (2 of 4 stars). 2 submissions from 2 submitters: Uncertain significance (2). Last evaluated 2024-02-24.

Allele frequency attached by ClinVar (database versions not stated): TOPMed 0.00004; gnomAD 0.00007; gnomAD exomes 0.00007; ExAC 0.00009; 1000 Genomes Project 0.00020; 1000 Genomes Project 30x 0.00031.
gnomAD v4.1: 122 of 1,614,104 alleles (0.0076%); highest among the groups gnomAD compares: Non-Finnish European, 0.0087%; no homozygotes.

Submissions (2):

Labcorp Genetics (formerly Invitae), Labcorp
Classification: Uncertain significance. Last evaluated: 2024-02-24. Review status: criteria provided, single submitter. Criteria: Invitae Variant Classification Sherloc (09022015). Collection method: clinical testing. Allele origin: germline.
Comment: This sequence change replaces arginine, which is basic and polar, with cysteine, which is neutral and slightly polar, at codon 1604 of the ADAMTS9 protein (p.Arg1604Cys). This variant is present in population databases (rs200122001, gnomAD 0.02%). This variant has not been reported in the literature in individuals affected with ADAMTS9-related conditions. ClinVar contains an entry for this variant (Variation ID: 2185418). An algorithm developed to predict the effect of missense changes on protein structure and function (PolyPhen-2) suggests that this variant is likely to be disruptive. In summary, the available evidence is currently insufficient to determine the role of this variant in disease. Therefore, it has been classified as a Variant of Uncertain Significance.

Ambry Genetics
Classification: Uncertain significance. Last evaluated: 2023-05-03. Review status: criteria provided, single submitter. Criteria: Ambry Variant Classification Scheme 2023. Collection method: clinical testing. Allele origin: germline.

NM_182920.2(ADAMTS9):c.4810C>T (p.Arg1604Cys)

Gene: ADAMTS9 (ADAM metallopeptidase with thrombospondin type 1 motif 9; minus strand). Cytogenetic location: 3p14.1.
Variant type: single nucleotide variant.
Coding change: c.4810C>T on transcript NM_182920.2 (MANE Select); coding-DNA position 4810, C replaced by T.
Protein change: p.Arg1604Cys; replaces arginine 1604 with cysteine.
Molecular consequence: missense variant.
Genome position (GRCh38, 1-based): chr3:64,550,951, G>A on the plus strand (C>T on the coding strand, the complement: ADAMTS9 is on the minus strand). VCF-style: chr3-64550951-G-A. GRCh37 (hg19) VCF-style: chr3-64536627-G-A.
Other names: c.4726C>T, p.Arg1576Cys (NM_001318781.2); c.4810C>T (NM_182920.1); short protein forms R1604C, R1576C.
Identifiers: ClinVar variation 2185418 (VCV002185418.6), dbSNP rs200122001, ClinGen allele CA2480379.